The following is an entry in ClinVar:

ClinVar aggregate classification (germline): Likely benign (1 of 4 stars; one submission).

Submission:

CeGaT Center for Human Genetics Tuebingen
Classification: Likely benign. Last evaluated: 2026-05-01. Review status: criteria provided, single submitter. Criteria: CeGaT Center For Human Genetics Tuebingen Variant Classification Criteria Version 2. Collection method: clinical testing. Allele origin: germline. Affected: yes. Observed: 2 variant alleles.
Comment: DMBT1: PM2:Supporting, BP4, BP7

NM_001377530.1(DMBT1):c.1530A>G (p.Leu510=)

Gene: DMBT1 (deleted in malignant brain tumors 1; plus strand). Cytogenetic location: 10q26.13.
Variant type: single nucleotide variant.
Coding change: c.1530A>G on transcript NM_001377530.1 (MANE Select); coding-DNA position 1530, A replaced by G.
Protein change: p.Leu510=; no amino-acid change (leucine 510 retained).
Molecular consequence: synonymous variant. On other transcripts: intron variant (1).
Genome position (GRCh38, 1-based): chr10:122,586,130, A>G. VCF-style: chr10-122586130-A-G. GRCh37 (hg19) VCF-style: chr10-124345646-A-G.
Other names: c.1530A>G, p.Leu510= (NM_001320644.2, NM_007329.3); c.1500A>G, p.Leu500= (NM_017579.3); c.1420+1779A>G (NM_004406.3).
Identifiers: ClinVar variation 2640911 (VCV002640911.24), dbSNP rs2097787185, ClinGen allele CA471745776.